The following is an entry in ClinVar:

ClinVar aggregate classification (germline): Likely benign (1 of 4 stars; one submission).

Conditions:
POLD1-related polyposis and colorectal cancer syndrome (CRCS10). Also called: Colorectal cancer 10; COLORECTAL CANCER, SUSCEPTIBILITY TO, ON CHROMOSOME 19q; Colorectal cancer, susceptibility to, 10. Identifiers: Orphanet 220460, MedGen C2675481, MONDO:0012953, OMIM 612591.

Submission:

Myriad Genetics, Inc.
Classification: Likely benign for POLD1-related polyposis and colorectal cancer syndrome. Last evaluated: 2025-02-06. Review status: criteria provided, single submitter. Criteria: Myriad Autosomal Dominant, Autosomal Recessive and X-Linked Classification Criteria (2023). Collection method: clinical testing. Allele origin: unknown.
Comment: This variant is considered likely benign. This variant is intronic and is not expected to impact mRNA splicing.

NM_002691.4(POLD1):c.1384-13C>T

Gene: POLD1 (DNA polymerase delta 1, catalytic subunit; plus strand). Cytogenetic location: 19q13.33.
Variant type: single nucleotide variant.
Coding change: c.1384-13C>T on transcript NM_002691.4 (MANE Select); 13 bases into the intron before coding-DNA position 1384, C replaced by T.
Molecular consequence: intron variant.
Genome position (GRCh38, 1-based): chr19:50,406,394, C>T. VCF-style: chr19-50406394-C-T. GRCh37 (hg19) VCF-style: chr19-50909651-C-T.
Other names: c.1384-13C>T (NM_001256849.1, NM_001308632.1).
Identifiers: ClinVar variation 3904469 (VCV003904469.1).
Genomic context (GRCh38, chr19:50,406,394, plus strand): 5'-AGGTGGGGTGTGTCCCTGTCCTTGGAAGGCCACTGCCCAGGCCCGCAGCCCACCAGCCCA[C>T]CCACCCACCTAGGTGCTGCTGCGGGAGTACAAGCTCCGCTCCTACACGCTCAATGCCGTG-3'